The following is an entry in ClinVar:

NM_001365480.1(CCDC88A):c.1556A>G (p.Gln519Arg)

Gene: CCDC88A (coiled-coil and HOOK domain protein 88A; minus strand). Cytogenetic location: 2p16.1.
Variant type: single nucleotide variant.
Coding change: c.1556A>G on transcript NM_001365480.1 (MANE Select); coding-DNA position 1556, A replaced by G.
Protein change: p.Gln519Arg; replaces glutamine 519 with arginine.
Molecular consequence: missense variant.
Genome position (GRCh38, 1-based): chr2:55,336,781, T>C on the plus strand (A>G on the coding strand, the complement: CCDC88A is on the minus strand). VCF-style: chr2-55336781-T-C. GRCh37 (hg19) VCF-style: chr2-55563917-T-C.
Other names: c.1556A>G, p.Gln519Arg (NM_001135597.2, NM_001254943.2, NM_018084.5); short protein forms Q519R.
Identifiers: ClinVar variation 1964221 (VCV001964221.5), dbSNP rs2104696342, ClinGen allele CA346902905.

ClinVar aggregate classification (germline): Uncertain significance (1 of 4 stars; one submission).

Allele frequency attached by ClinVar (database versions not stated): gnomAD exomes below 0.00001.
gnomAD v4.1: 1 of 1,593,234 alleles (0.000063%); highest among the groups gnomAD compares: Admixed American, 0.0017%; no homozygotes.

Submission:

Labcorp Genetics (formerly Invitae), Labcorp
Classification: Uncertain significance. Last evaluated: 2026-01-19. Review status: criteria provided, single submitter. Criteria: Invitae Variant Classification Sherloc (09022015). Collection method: clinical testing. Allele origin: germline.
Comment: This sequence change replaces glutamine, which is neutral and polar, with arginine, which is basic and polar, at codon 519 of the CCDC88A protein (p.Gln519Arg). This variant is not present in population databases (gnomAD no frequency). This variant has not been reported in the literature in individuals affected with CCDC88A-related conditions. ClinVar contains an entry for this variant (Variation ID: 1964221). An algorithm developed to predict the effect of missense changes on protein structure and function outputs the following: PolyPhen-2: "Benign". The arginine amino acid residue is found in multiple mammalian species, which suggests that this missense change does not adversely affect protein function. In summary, the available evidence is currently insufficient to determine the role of this variant in disease. Therefore, it has been classified as a Variant of Uncertain Significance.